The following is an entry in ClinVar:

NM_017950.4(CCDC40):c.2699del (p.Leu900fs)

Gene: CCDC40 (coiled-coil domain 40 molecular ruler complex subunit; plus strand). Cytogenetic location: 17q25.3.
Variant type: Deletion.
Coding change: c.2699del on transcript NM_017950.4 (MANE Select); coding-DNA position 2699, one base deleted (T; older notation c.2699delT).
Protein change: p.Leu900fs; shifts the reading frame from leucine 900.
Molecular consequence: frameshift variant.
Genome position (GRCh38, 1-based): chr17:80,088,090, T deleted. VCF-style (leftmost placement, unchanged base first): chr17-80088089-CT-C. GRCh37 (hg19) VCF-style: chr17-78061888-CT-C.
Other names: c.2699del, p.Leu900fs (NM_001243342.2); short protein forms L900fs.
Identifiers: ClinVar variation 3392508 (VCV003392508.2).

ClinVar aggregate classification (germline): Likely pathogenic (1 of 4 stars; one submission).

Conditions:
Primary ciliary dyskinesia 15. Also called: CILIARY DYSKINESIA, PRIMARY, 15, WITH OR WITHOUT SITUS INVERSUS. Identifiers: Orphanet 244, MedGen C3151137, MONDO:0013435, OMIM 613808.

Submission:

Juno Genomics, Hangzhou Juno Genomics, Inc
Classification: Likely pathogenic for Primary ciliary dyskinesia 15. Review status: criteria provided, single submitter. Criteria: ACMG Guidelines, 2015. Collection method: clinical testing. Allele origin: germline. Affected: yes.
Comment: Absent from controls (or at extremely low frequency if recessive) in Genome Aggregation Database, Exome Sequencing Project, 1000 Genomes Project, or Exome Aggregation Consortium.;Null variant in a gene where loss of function (LOF) is a known mechanism of disease.